The following is an entry in ClinVar:

NM_000059.4(BRCA2):c.7130T>C (p.Val2377Ala)

Gene: BRCA2 (BRCA2 DNA repair associated; plus strand). Cytogenetic location: 13q13.1.
Variant type: single nucleotide variant.
Coding change: c.7130T>C on transcript NM_000059.4 (MANE Select); coding-DNA position 7130, T replaced by C.
Protein change: p.Val2377Ala; replaces valine 2377 with alanine.
Molecular consequence: missense variant. On other transcripts: non-coding transcript variant (1).
Genome position (GRCh38, 1-based): chr13:32,354,983, T>C. VCF-style: chr13-32354983-T-C. GRCh37 (hg19) VCF-style: chr13-32929120-T-C.
Other names: c.7034T>C, p.Val2345Ala (NM_001406719.1); c.7130T>C, p.Val2377Ala (NM_001406720.1); c.2198T>C, p.Val733Ala (NM_001406721.1); c.713T>C, p.Val238Ala (NM_001406722.1); short protein forms V2345A, V2377A, V238A, V733A.
Identifiers: ClinVar variation 3228208 (VCV003228208.1), dbSNP rs2137556176, ClinGen allele CA387738845.

ClinVar aggregate classification (germline): Uncertain significance (1 of 4 stars; one submission).

Conditions:
Hereditary cancer-predisposing syndrome. Also called: Neoplastic Syndromes, Hereditary; Tumor predisposition; Hereditary neoplastic syndrome; Hereditary Cancer Syndrome. Identifiers: Orphanet 140162, MedGen C0027672, MeSH D009386, MONDO:0015356.

Submission:

Ambry Genetics
Classification: Uncertain significance for Hereditary cancer-predisposing syndrome. Last evaluated: 2024-01-26. Review status: criteria provided, single submitter. Criteria: Ambry Variant Classification Scheme 2023. Collection method: clinical testing. Allele origin: germline.
Comment: The p.V2377A variant (also known as c.7130T>C), located in coding exon 13 of the BRCA2 gene, results from a T to C substitution at nucleotide position 7130. The valine at codon 2377 is replaced by alanine, an amino acid with similar properties. This alteration was identified in an unselected cohort of 367 female breast cancer patients (Lattimore V et al. Breast Cancer Res Treat, 2021 Feb;185:583-590). This amino acid position is not well conserved in available vertebrate species. In addition, this alteration is predicted to be tolerated by in silico analysis. Based on the available evidence, the clinical significance of this alteration remains unclear.

Literature cited by the submitters: PubMed 33113089.